The following is an entry in ClinVar:

NM_001367479.1(DNAH14):c.12423_12426dup (p.Asn4143Ter)

Gene: DNAH14 (dynein axonemal heavy chain 14; plus strand). Cytogenetic location: 1q42.12.
Variant type: Microsatellite.
Coding change: c.12423_12426dup on transcript NM_001367479.1 (MANE Select); coding-DNA positions 12423 to 12426, 4 bases duplicated (TGAT; older notation c.12423_12426dupTGAT).
Protein change: p.Asn4143Ter; replaces asparagine 4143 with a stop codon.
Molecular consequence: nonsense.
Genome position (GRCh38, 1-based): chr1:225,374,792-225,374,795, TGAT duplicated; duplicating any 4 consecutive bases within chr1:225,374,788-225,374,795 gives the same sequence; the c. name uses the placement nearest the transcript's 3' end. VCF-style (leftmost placement, unchanged base first): chr1-225374787-G-GTGAT. GRCh37 (hg19) VCF-style: chr1-225562489-G-GTGAT.
Other names: NM_001373.1:c.12144_12147dup; short protein forms N4143*.
Identifiers: ClinVar variation 3364355 (VCV003364355.1).

ClinVar aggregate classification (germline): Uncertain significance (1 of 4 stars; one submission).

Submission:

GeneDx
Classification: Uncertain significance. Last evaluated: 2023-11-19. Review status: criteria provided, single submitter. Criteria: GeneDx Variant Classification Process June 2021. Collection method: clinical testing. Allele origin: germline. Affected: yes.
Comment: Nonsense variant predicted to result in protein truncation or nonsense mediated decay in a gene or region of a gene for which loss of function is not a well-established mechanism of disease; Not observed at significant frequency in large population cohorts (gnomAD); Has not been previously published as pathogenic or benign to our knowledge